The following is an entry in ClinVar:

NM_001330700.2(TOP2B):c.1098C>A (p.Asn366Lys)

Gene: TOP2B (DNA topoisomerase II beta; minus strand). Cytogenetic location: 3p24.2.
Variant type: single nucleotide variant.
Coding change: c.1098C>A on transcript NM_001330700.2 (MANE Select); coding-DNA position 1098, C replaced by A.
Protein change: p.Asn366Lys; replaces asparagine 366 with lysine.
Molecular consequence: missense variant.
Genome position (GRCh38, 1-based): chr3:25,632,723, G>T on the plus strand (C>A on the coding strand, the complement: TOP2B is on the minus strand). VCF-style: chr3-25632723-G-T. GRCh37 (hg19) VCF-style: chr3-25674214-G-T.
Other names: c.1083C>A, p.Asn361Lys (NM_001068.3); short protein forms N361K, N366K.
Identifiers: ClinVar variation 2662062 (VCV002662062.1), dbSNP rs1231014625, ClinGen allele CA351910735.
Genomic context (GRCh38, chr3:25,632,723, plus strand): 5'-ATCATGTACAATATATAACACATCCCTTACTTGAAATGGTTTCACTGATACACCAGCTTT[G>T]TTCTTTTTCTTAACTACTTCAATCAGTTTACCAACAACTTGATCTACCACATAATCCACG-3'
Protein context (NP_001317629.1, residues 356-376): GKLIEVVKKK[Asn366Lys]KAGVSVKPFQ

ClinVar aggregate classification (germline): Uncertain significance (1 of 4 stars; one submission).

Submission:

GeneDx
Classification: Uncertain significance. Last evaluated: 2023-05-03. Review status: criteria provided, single submitter. Criteria: GeneDx Variant Classification Process June 2021. Collection method: clinical testing. Allele origin: germline. Affected: yes.
Comment: In silico analysis supports that this missense variant has a deleterious effect on protein structure/function; Not observed at significant frequency in large population cohorts (gnomAD); Has not been previously published as pathogenic or benign to our knowledge